The following is an entry in ClinVar:

ClinVar aggregate classification (germline): Likely benign. Review status: criteria provided, multiple submitters, no conflicts (2 of 4 stars). 2 submissions from 2 submitters: Likely benign (2). Last evaluated 2025-11-03.

Conditions:
TUBGCP6-related disorder. Also called: TUBGCP6-related condition.

gnomAD v4.1: 1 of 1,611,542 alleles (0.000062%); highest among the groups gnomAD compares: Non-Finnish European, 0.000085%; no homozygotes.

Submissions (2):

PreventionGenetics, part of Exact Sciences
Classification: Likely benign for TUBGCP6-related condition. Last evaluated: 2025-11-03. Review status: criteria provided, single submitter. Criteria: ACMG Guidelines, 2015. Collection method: clinical testing. Allele origin: germline.
Comment: This variant is classified as likely benign based on ACMG/AMP sequence variant interpretation guidelines (Richards et al. 2015 PMID: 25741868, with internal and published modifications).

Labcorp Genetics (formerly Invitae), Labcorp
Classification: Likely benign. Last evaluated: 2023-10-17. Review status: criteria provided, single submitter. Criteria: Invitae Variant Classification Sherloc (09022015). Collection method: clinical testing. Allele origin: germline.

NM_020461.4(TUBGCP6):c.5169-8C>T

Gene: TUBGCP6 (tubulin gamma complex component 6; minus strand). Cytogenetic location: 22q13.33.
Variant type: single nucleotide variant.
Coding change: c.5169-8C>T on transcript NM_020461.4 (MANE Select); 8 bases into the intron before coding-DNA position 5169, C replaced by T.
Molecular consequence: intron variant.
Genome position (GRCh38, 1-based): chr22:50,218,125, G>A on the plus strand (C>T on the coding strand, the complement: TUBGCP6 is on the minus strand). VCF-style: chr22-50218125-G-A. GRCh37 (hg19) VCF-style: chr22-50656554-G-A.
Other names: c.5169-8C>T (NM_020461.3).
Identifiers: ClinVar variation 1982307 (VCV001982307.5), dbSNP rs376828922, ClinGen allele CA2580099922.